The following is an entry in ClinVar:

ClinVar aggregate classification (germline): Uncertain significance. Review status: criteria provided, single submitter (1 of 4 stars). 2 submissions from 2 submitters: Uncertain significance (1). 1 of the submissions does not count toward it. Last evaluated 2025-04-02.

Conditions:
GROWTH HORMONE DEFICIENCY WITH PITUITARY ANOMALIES. Identifiers: MedGen C2750027, OMIM 182230.
Septo-optic dysplasia sequence (SOD). Also called: Septo-optic dysplasia; DE MORSIER SYNDROME. Identifiers: Orphanet 3157, MedGen C0338503, MONDO:0008428, OMIM 182230, HP:0100842.

Allele frequency attached by ClinVar (database versions not stated): ExAC 0.00001; gnomAD exomes 0.00001; TOPMed 0.00002; gnomAD 0.00003.
gnomAD v4.1: 16 of 1,597,630 alleles (0.001%); highest among the groups gnomAD compares: East Asian, 0.0022%; no homozygotes.

Submissions (2):

Labcorp Genetics (formerly Invitae), Labcorp
Classification: Uncertain significance for GROWTH HORMONE DEFICIENCY WITH PITUITARY ANOMALIES; Septo-optic dysplasia sequence. Last evaluated: 2025-04-02. Review status: criteria provided, single submitter. Criteria: Invitae Variant Classification Sherloc (09022015). Collection method: clinical testing. Allele origin: germline.
Comment: This sequence change replaces glutamic acid, which is acidic and polar, with lysine, which is basic and polar, at codon 149 of the HESX1 protein (p.Glu149Lys). This variant is present in population databases (rs104893742, gnomAD 0.005%). This missense change has been observed in individual(s) with pituitary dysfunction (PMID: 17148560). ClinVar contains an entry for this variant (Variation ID: 7699). An algorithm developed to predict the effect of missense changes on protein structure and function (PolyPhen-2) suggests that this variant is likely to be disruptive. Experimental studies are conflicting or provide insufficient evidence to determine the effect of this variant on HESX1 function (PMID: 17148560, 27013732). In summary, the available evidence is currently insufficient to determine the role of this variant in disease. Therefore, it has been classified as a Variant of Uncertain Significance.

OMIM
Classification: Pathogenic for GROWTH HORMONE DEFICIENCY WITH PITUITARY ANOMALIES. Last evaluated: 2007-02-01. Review status: no assertion criteria provided. Collection method: literature only. Allele origin: germline. Not counted in ClinVar's aggregate classification.

Literature cited by the submitters: PubMed 17148560 (cited by Labcorp Genetics (formerly Invitae), Labcorp and OMIM); PubMed 27013732 (cited by Labcorp Genetics (formerly Invitae), Labcorp).

NM_003865.3(HESX1):c.445G>A (p.Glu149Lys)

Gene: HESX1 (HESX homeobox 1; minus strand). Cytogenetic location: 3p14.3.
Variant type: single nucleotide variant.
Coding change: c.445G>A on transcript NM_003865.3 (MANE Select); coding-DNA position 445, G replaced by A.
Protein change: p.Glu149Lys; replaces glutamic acid 149 with lysine.
Molecular consequence: missense variant.
Genome position (GRCh38, 1-based): chr3:57,198,405, C>T on the plus strand (G>A on the coding strand, the complement: HESX1 is on the minus strand). VCF-style: chr3-57198405-C-T. GRCh37 (hg19) VCF-style: chr3-57232433-C-T.
Other names: short protein forms E149K.
Identifiers: ClinVar variation 7699 (VCV000007699.2), dbSNP rs104893742, ClinGen allele CA119005.